The following is an entry in ClinVar:

ClinVar aggregate classification (germline): Pathogenic/Likely pathogenic. Review status: criteria provided, multiple submitters, no conflicts (2 of 4 stars). 3 submissions from 3 submitters: Pathogenic (2); Likely pathogenic (1). Last evaluated 2023-11-09.

Conditions:
Polycystic kidney disease, adult type (PKD1). Also called: Polycystic Kidney Disease 1, Autosomal Dominant; Polycystic kidney disease 1; Polycystic kidney disease 1, severe; POLYCYSTIC KIDNEY DISEASE, ADULT, TYPE I; POLYCYSTIC KIDNEY DISEASE 1 WITH OR WITHOUT POLYCYSTIC LIVER DISEASE; Polycystic Kidney, Autosomal Dominant. Identifiers: MedGen C3149841, MONDO:0008263, OMIM 173900.

gnomAD v4.1: 1 of 1,612,248 alleles (0.000062%); no homozygotes.

Submissions (3):

Genetic Services Laboratory, University of Chicago
Classification: Likely pathogenic. Last evaluated: 2023-11-09. Review status: criteria provided, single submitter. Criteria: ACMG Guidelines, 2015. Collection method: clinical testing. Allele origin: germline. Affected: yes.
Comment: DNA sequence analysis of the PKD1 gene demonstrated a sequence change, c.12711C>G, which results in the creation of a premature stop codon at amino acid position 4237, p.Tyr4237*. This likely pathogenic sequence change is predicted to result in an abnormal transcript, which may be degraded, or may lead to the production of a truncated PKD1 protein with potentially abnormal function. This sequence change has not been described in the population databases such as ExAC and gnomAD. This likely pathogenic sequence change has previously been described in an individual with autosomal dominant polycystic kidney disease [PMID: 10862097]; in addition, several other sequence changes affecting amino acid residues immediately downstream of this sequence change in the PKD1 protein have been associated with autosomal dominant polycystic kidney disease [PMID: 24611717, 30586318, 21115670]. These collective evidences indicate that this sequence change is likely pathogenic; however, functional studies have not been performed to prove this conclusively. This sequence variant also overlaps with the predicted 3-UTR of the TSC2 gene, c.*1318G>C (p.?). Due to insufficient evidences and the lack of functional studies, the clinical significance of the sequence change with regard to TSC2 expression is unknown at this time.

Department of Pathology and Laboratory Medicine, Sinai Health System
Classification: Pathogenic for Polycystic kidney disease, adult type. Last evaluated: 2021-05-06. Review status: criteria provided, single submitter. Criteria: ACMG Guidelines, 2015. Collection method: clinical testing. Allele origin: germline.

Athena Diagnostics
Classification: Pathogenic. Last evaluated: 2020-09-09. Review status: criteria provided, single submitter. Criteria: Athena Diagnostics criteria. Collection method: clinical testing. Allele origin: unknown.
Comment: This variant is expected to result in the loss of a functional protein. This variant has not been reported in large, multi-ethnic general populations. This variant has been identified in at least one individual with clinical features associated with this gene.

Literature cited by the submitters: PubMed 10854095 (cited by Department of Pathology and Laboratory Medicine, Sinai Health System and Athena Diagnostics); PubMed 22508176 (cited by Department of Pathology and Laboratory Medicine, Sinai Health System); PubMed 10862097 (cited by Athena Diagnostics).

NM_001009944.3(PKD1):c.12711C>G (p.Tyr4237Ter)

Gene: PKD1 (polycystin 1, transient receptor potential channel interacting; minus strand). Cytogenetic location: 16p13.3.
Variant type: single nucleotide variant.
Coding change: c.12711C>G on transcript NM_001009944.3 (MANE Select); coding-DNA position 12711, C replaced by G.
Protein change: p.Tyr4237Ter; replaces tyrosine 4237 with a stop codon.
Molecular consequence: nonsense.
Genome position (GRCh38, 1-based): chr16:2,089,928, G>C on the plus strand (C>G on the coding strand, the complement: PKD1 is on the minus strand). VCF-style: chr16-2089928-G-C. GRCh37 (hg19) VCF-style: chr16-2139929-G-C.
Other names: c.12708C>G, p.Tyr4236Ter (NM_000296.4); c.12711C>G (NM_001009944.2); short protein forms Y4236*, Y4237*.
Identifiers: ClinVar variation 994713 (VCV000994713.5), dbSNP rs906771712, ClinGen allele CA394320507.
Genomic context (GRCh38, chr16:2,089,928, plus strand): 5'-TCCGGCGGGCGCCCGGCTGCTCCTGCGGCCTTGCAGGCTGTGCAGCTGCTGCTCCAGCTG[G>C]TAGACGTCCTCTGTGGCCTGGTTGAGTCGGTCAAACTGGGTGAGCAGGGCCTCGAACACG-3'